The following is an entry in ClinVar:

ClinVar aggregate classification (germline): Uncertain significance. Review status: criteria provided, multiple submitters, no conflicts (2 of 4 stars). 2 submissions from 2 submitters: Uncertain significance (2). Last evaluated 2024-07-08.

Conditions:
Hermansky-Pudlak syndrome 2 (HPS2). Also called: Platelet defects and oculocutaneous albinism. Identifiers: Orphanet 183678, Orphanet 79430, MedGen C1842362, MONDO:0011997, OMIM 608233.

Allele frequency attached by ClinVar (database versions not stated): gnomAD 0.00001; gnomAD exomes 0.00001; ESP Exome Variant Server 0.00008.

Submissions (2):

GeneDx
Classification: Uncertain significance. Last evaluated: 2024-07-08. Review status: criteria provided, single submitter. Criteria: GeneDx Variant Classification Process June 2021. Collection method: clinical testing. Allele origin: germline. Affected: yes.
Comment: Not observed at significant frequency in large population cohorts (gnomAD); In silico analysis supports that this missense variant has a deleterious effect on protein structure/function; Has not been previously published as pathogenic or benign to our knowledge

Labcorp Genetics (formerly Invitae), Labcorp
Classification: Uncertain significance for Hermansky-Pudlak syndrome 2. Last evaluated: 2023-12-23. Review status: criteria provided, single submitter. Criteria: Invitae Variant Classification Sherloc (09022015). Collection method: clinical testing. Allele origin: germline.
Comment: This sequence change replaces arginine, which is basic and polar, with tryptophan, which is neutral and slightly polar, at codon 253 of the AP3B1 protein (p.Arg253Trp). This variant is not present in population databases (gnomAD no frequency). This variant has not been reported in the literature in individuals affected with AP3B1-related conditions. An algorithm developed to predict the effect of missense changes on protein structure and function (PolyPhen-2) suggests that this variant is likely to be disruptive. In summary, the available evidence is currently insufficient to determine the role of this variant in disease. Therefore, it has been classified as a Variant of Uncertain Significance.

NM_003664.5(AP3B1):c.757C>T (p.Arg253Trp)

Gene: AP3B1 (adaptor related protein complex 3 subunit beta 1; minus strand). Cytogenetic location: 5q14.1.
Variant type: single nucleotide variant.
Coding change: c.757C>T on transcript NM_003664.5 (MANE Select); coding-DNA position 757, C replaced by T.
Protein change: p.Arg253Trp; replaces arginine 253 with tryptophan.
Molecular consequence: missense variant.
Genome position (GRCh38, 1-based): chr5:78,216,084, G>A on the plus strand (C>T on the coding strand, the complement: AP3B1 is on the minus strand). VCF-style: chr5-78216084-G-A. GRCh37 (hg19) VCF-style: chr5-77511908-G-A.
Other names: c.757C>T (NM_003664.3); c.610C>T, p.Arg204Trp (NM_001271769.2); c.757C>T, p.Arg253Trp (NM_001410752.1); short protein forms R204W, R253W.
Identifiers: ClinVar variation 2886086 (VCV002886086.4), dbSNP rs367887459, ClinGen allele CA121114747.